The following is an entry in ClinVar:

ClinVar aggregate classification (germline): Likely benign. Review status: criteria provided, multiple submitters, no conflicts (2 of 4 stars). 2 submissions from 2 submitters: Likely benign (2). Last evaluated 2025-10-01.

Conditions:
Hypertrophic cardiomyopathy 11. Also called: ACTC1-Related Familial Hypertrophic Cardiomyopathy. Identifiers: MedGen C2677506, MONDO:0012799, OMIM 612098.
Dilated cardiomyopathy 1R (CMD1R). Identifiers: Orphanet 154, Orphanet 54260, MedGen C3150681, MONDO:0013261, OMIM 613424.
Atrial septal defect 5 (ASD5). Identifiers: Orphanet 1478, MedGen C2748552, MONDO:0013011, OMIM 612794.
Hypertrophic cardiomyopathy. Also called: HYPERTROPHIC MYOCARDIOPATHY. Identifiers: Orphanet 217569, MedGen C0007194, MeSH D002312, MONDO:0005045, HP:0001639.

gnomAD v4.1: 2 of 1,614,066 alleles (0.00012%); highest among the groups gnomAD compares: East Asian, 0.0022%; no homozygotes.

Submissions (2):

Labcorp Genetics (formerly Invitae), Labcorp
Classification: Likely benign for Dilated cardiomyopathy 1R; Hypertrophic cardiomyopathy 11; Atrial septal defect 5. Last evaluated: 2025-10-01. Review status: criteria provided, single submitter. Criteria: Invitae Variant Classification Sherloc (09022015). Collection method: clinical testing. Allele origin: germline.

All of Us Research Program, National Institutes of Health
Classification: Likely benign for Hypertrophic cardiomyopathy. Last evaluated: 2024-05-14. Review status: criteria provided, single submitter. Criteria: ACMG Guidelines, 2015. Collection method: clinical testing. Allele origin: germline. Inheritance: Autosomal dominant inheritance. Observed: 1 variant allele, 1 heterozygote.
Comment: This study involves interpretation of variants in research participants for the purpose of population health screening. Participant phenotype was not available at the time of variant classification. Additional details can be found in publication PMID: 35346344, PMCID: PMC8962531

NM_005159.5(ACTC1):c.198C>T (p.Ile66=)

Genes: ACTC1 (actin alpha cardiac muscle 1; minus strand), GJD2-DT (GJD2 divergent transcript; plus strand). Cytogenetic location: 15q14.
Variant type: single nucleotide variant.
Coding change: c.198C>T on transcript NM_005159.5 (MANE Select); coding-DNA position 198, C replaced by T.
Protein change: p.Ile66=; no amino-acid change (isoleucine 66 retained).
Molecular consequence: synonymous variant. On other transcripts: 5 prime UTR variant (1).
Genome position (GRCh38, 1-based): chr15:34,793,501, G>A on the plus strand (C>T on the coding strand, the complement: ACTC1 is on the minus strand). VCF-style: chr15-34793501-G-A. GRCh37 (hg19) VCF-style: chr15-35085702-G-A.
Other names: c.198C>T, p.Ile66= (NM_001406482.1, NM_001406483.1); c.63C>T, p.Ile21= (NM_001406484.1); c.-191C>T (NM_001406485.1).
Identifiers: ClinVar variation 3387061 (VCV003387061.2).
Genomic context (GRCh38, chr15:34,793,501, plus strand): 5'-CTTCTCCATGTCGTCCCAGTTGGTGATGATACCATGCTCGATGGGATACTTCAGGGTCAG[G>A]ATGCCTCTCTTGCTCTGGGCTTCATCACCTACGTAGGAGTCCTTCTGACCCATACCCACC-3'
Protein context (NP_005150.1, residues 56-76): VGDEAQSKRG[Ile66=]LTLKYPIEHG